The following is an entry in ClinVar:

NM_014391.3(ANKRD1):c.346-27_346-12del

Gene: ANKRD1 (ankyrin repeat domain 1; minus strand). Cytogenetic location: 10q23.31.
Variant type: Deletion.
Coding change: c.346-27_346-12del on transcript NM_014391.3 (MANE Select); 27 bases into the intron before coding-DNA position 346 through 12 bases into the intron before coding-DNA position 346, 16 bases deleted (ATATATATTTATTTAT).
Molecular consequence: intron variant.
Genome position (GRCh38, 1-based): chr10:90,918,984-90,918,999, ATAAATAAATATATAT deleted on the plus strand (ATATATATTTATTTAT on the coding strand, the reverse complement: ANKRD1 is on the minus strand); deleting any 16 consecutive bases within chr10:90,918,984-90,919,002 gives the same sequence; the c. name uses the placement nearest the transcript's 3' end. VCF-style (leftmost placement, unchanged base first): chr10-90918983-AATAAATAAATATATAT-A. GRCh37 (hg19) VCF-style: chr10-92678740-AATAAATAAATATATAT-A.
Other names: c.346-27_346-12del16 (NM_014391.3).
Identifiers: ClinVar variation 1291289 (VCV001291289.14), dbSNP rs751818504, ClinGen allele CA5598752.

ClinVar aggregate classification (germline): Benign. Review status: criteria provided, multiple submitters, no conflicts (2 of 4 stars). 4 submissions from 4 submitters: Benign (3). 1 of the submissions does not count toward it. Last evaluated 2026-02-02.

Conditions:
ANKRD1-related disorder. Also called: ANKRD1-related condition.
ANKRD1-related dilated cardiomyopathy. Identifiers: MedGen CN119551.

Submissions (4):

Labcorp Genetics (formerly Invitae), Labcorp
Classification: Benign for ANKRD1-related dilated cardiomyopathy. Last evaluated: 2026-02-02. Review status: criteria provided, single submitter. Criteria: Invitae Variant Classification Sherloc (09022015). Collection method: clinical testing. Allele origin: germline.

Women's Health and Genetics/Laboratory Corporation of America, LabCorp
Classification: Benign. Last evaluated: 2025-12-17. Review status: criteria provided, single submitter. Criteria: LabCorp Variant Classification Summary - May 2015. Collection method: clinical testing. Allele origin: germline.
Comment: Variant summary: ANKRD1 c.346-27_346-12del16 alters a non-conserved nucleotide located at a position not widely known to affect splicing. Consensus agreement among computation tools predict no significant impact on normal splicing. However, these predictions have yet to be confirmed by functional studies. The variant allele was found at a frequency of 0.0018 in 26646 control chromosomes, predominantly at a frequency of 0.007 within the African or African-American subpopulation in the gnomAD database, including 5 homozygotes. The observed variant frequency within African or African-American control individuals in the gnomAD database exceeds the estimated maximal expected allele frequency for disease-causing variants in ANKRD1. To our knowledge, no occurrence of c.346-27_346-12del16 in individuals affected with ANKRD1-related conditions and no experimental evidence demonstrating its impact on protein function have been reported. ClinVar contains an entry for this variant (Variation ID: 1291289). Based on the evidence outlined above, the variant was classified as benign.

GeneDx
Classification: Benign. Last evaluated: 2019-05-17. Review status: criteria provided, single submitter. Criteria: GeneDx Variant Classification Process June 2021. Collection method: clinical testing. Allele origin: germline. Affected: yes.

PreventionGenetics, part of Exact Sciences
Classification: Likely benign for ANKRD1-related condition. Last evaluated: 2021-11-30. Review status: no assertion criteria provided. Collection method: clinical testing. Allele origin: germline. Not counted in ClinVar's aggregate classification.
Comment: This variant is classified as likely benign based on ACMG/AMP sequence variant interpretation guidelines (Richards et al. 2015 PMID: 25741868, with internal and published modifications).